The following is an entry in ClinVar:

NC_000016.10:g.(?_176012)_(177299_?)del

Genes: HBA1 (hemoglobin subunit alpha 1; plus strand), LOC106804613 (hemoglobin subunit alpha 1 recombination region; plus strand). Cytogenetic location: 16p13.3.
Variant type: Deletion.
Identifiers: ClinVar variation 643713 (VCV000643713.3).

ClinVar aggregate classification (germline): Pathogenic (1 of 4 stars; one submission).

Submission:

Labcorp Genetics (formerly Invitae), Labcorp
Classification: Pathogenic. Last evaluated: 2018-12-19. Review status: criteria provided, single submitter. Criteria: Invitae Variant Classification Sherloc (09022015). Collection method: clinical testing. Allele origin: germline.
Comment: This variant is a gross deletion of the genomic region encompassing exons 1-2 and part of exon 3 of the HBA1 gene (c.-705_317), which includes the initiator codon. Although HBA1 is associated with autosomal recessive disease, a closely related gene called HBA2, when present, can compensate for the loss of HBA1. Disruption of 1 or 2 of the 4 copies of the HBA1 and HBA2 genes is typically associated with no symptoms or very mild symptoms, while disruption of at least 3 of the 4 copies is associated with overt disease (PMID: 19618088, 21381239). This partial deletion of HBA1 has not been previously reported in the literature in individuals with gene-related disease, but¬†is expected to result in an absent or disrupted protein product. Loss-of-function variants in HBA1 are known to be pathogenic (PMID: 12393486, 27199182). For these reasons, this variant has been classified as Pathogenic.

Literature cited by the submitters: PubMed 19618088; PubMed 21381239; PubMed 12393486; PubMed 27199182.